The following is an entry in ClinVar:

ClinVar aggregate classification (germline): Uncertain significance. Review status: criteria provided, multiple submitters, no conflicts (2 of 4 stars). 2 submissions from 2 submitters: Uncertain significance (2). Last evaluated 2025-07-02.

Conditions:
Brugada syndrome 8 (BRGDA8). Identifiers: Orphanet 130, MedGen C2751083, MONDO:0013148, OMIM 613123.
Cardiovascular phenotype. Identifiers: MedGen CN230736.

Submissions (2):

Labcorp Genetics (formerly Invitae), Labcorp
Classification: Uncertain significance for Brugada syndrome 8. Last evaluated: 2025-07-02. Review status: criteria provided, single submitter. Criteria: Invitae Variant Classification Sherloc (09022015). Collection method: clinical testing. Allele origin: germline.
Comment: This sequence change replaces proline, which is neutral and non-polar, with arginine, which is basic and polar, at codon 52 of the HCN4 protein (p.Pro52Arg). This variant is not present in population databases (gnomAD no frequency). This variant has not been reported in the literature in individuals affected with HCN4-related conditions. ClinVar contains an entry for this variant (Variation ID: 2626613). Invitae Evidence Modeling of protein sequence and biophysical properties (such as structural, functional, and spatial information, amino acid conservation, physicochemical variation, residue mobility, and thermodynamic stability) has been performed for this missense variant. However, the output from this modeling did not meet the statistical confidence thresholds required to predict the impact of this variant on HCN4 protein function. In summary, the available evidence is currently insufficient to determine the role of this variant in disease. Therefore, it has been classified as a Variant of Uncertain Significance.

Ambry Genetics
Classification: Uncertain significance for Cardiovascular phenotype. Last evaluated: 2023-07-16. Review status: criteria provided, single submitter. Criteria: Ambry Variant Classification Scheme 2023. Collection method: clinical testing. Allele origin: germline.
Comment: The p.P52R variant (also known as c.155C>G), located in coding exon 1 of the HCN4 gene, results from a C to G substitution at nucleotide position 155. The proline at codon 52 is replaced by arginine, an amino acid with dissimilar properties. This amino acid position is conserved. In addition, the in silico prediction for this alteration is inconclusive. Since supporting evidence is limited at this time, the clinical significance of this alteration remains unclear.

NM_005477.3(HCN4):c.155C>G (p.Pro52Arg)

Gene: HCN4 (hyperpolarization activated cyclic nucleotide gated potassium channel 4; minus strand). Cytogenetic location: 15q24.1.
Variant type: single nucleotide variant.
Coding change: c.155C>G on transcript NM_005477.3 (MANE Select); coding-DNA position 155, C replaced by G.
Protein change: p.Pro52Arg; replaces proline 52 with arginine.
Molecular consequence: missense variant.
Genome position (GRCh38, 1-based): chr15:73,368,116, G>C on the plus strand (C>G on the coding strand, the complement: HCN4 is on the minus strand). VCF-style: chr15-73368116-G-C. GRCh37 (hg19) VCF-style: chr15-73660457-G-C.
Other names: short protein forms P52R.
Identifiers: ClinVar variation 2626613 (VCV002626613.3), dbSNP rs1297165703, ClinGen allele CA393098857.